The following is an entry in ClinVar:

ClinVar aggregate classification (germline): Likely benign. Review status: criteria provided, multiple submitters, no conflicts (2 of 4 stars). 2 submissions from 2 submitters: Likely benign (2). Last evaluated 2026-04-21.

Conditions:
Ehlers-Danlos syndrome, classic type, 1 (EDSCL1). Also called: EHLERS-DANLOS SYNDROME, GRAVIS TYPE; EHLERS-DANLOS SYNDROME, SEVERE CLASSIC TYPE; Ehlers-Danlos syndrome, type 1; Ehlers-Danlos Syndrome, Classic Type, COL5A1-Related; EDS I. Identifiers: MedGen C0268335, MONDO:0019567, OMIM 130000.
Osteogenesis imperfecta type I (OI1). Also called: OI, TYPE I; OSTEOGENESIS IMPERFECTA TARDA; OSTEOGENESIS IMPERFECTA WITH BLUE SCLERAE; Osteogenesis imperfecta type 1; Lobstein's Disease; Lobstein disease. Identifiers: Orphanet 216796, Orphanet 666, MedGen C0023931, MONDO:0008146, OMIM 166200. Disease mechanism: loss of function.

gnomAD v4.1: 12 of 1,608,604 alleles (0.00075%); highest among the groups gnomAD compares: African/African-American, 0.008%; no homozygotes.

Submissions (2):

Women's Health and Genetics/Laboratory Corporation of America, LabCorp
Classification: Likely benign. Last evaluated: 2026-04-21. Review status: criteria provided, single submitter. Criteria: LabCorp Variant Classification Summary - May 2015. Collection method: clinical testing. Allele origin: germline.
Comment: Variant summary: COL1A2 c.3711+10C>T alters a nucleotide located at a position not widely known to affect splicing. Consensus agreement among computation tools predict no significant impact on normal splicing. However, these predictions have yet to be confirmed by functional studies. The variant allele was found at a frequency of 4e-06 in 248164 control chromosomes. The available data on variant occurrences in the general population are insufficient to allow any conclusion about variant significance. To our knowledge, no occurrence of c.3711+10C>T in individuals affected with COL1A2-related conditions and no experimental evidence demonstrating its impact on protein function have been reported. ClinVar contains an entry for this variant (Variation ID: 4790019). Based on the evidence outlined above, the variant was classified as likely benign.

Labcorp Genetics (formerly Invitae), Labcorp
Classification: Likely benign for Osteogenesis imperfecta type I; Ehlers-Danlos syndrome, classic type, 1. Last evaluated: 2025-05-12. Review status: criteria provided, single submitter. Criteria: Invitae Variant Classification Sherloc (09022015). Collection method: clinical testing. Allele origin: germline.

NM_000089.4(COL1A2):c.3711+10C>T

Gene: COL1A2 (collagen type I alpha 2 chain; plus strand). Cytogenetic location: 7q21.3.
Variant type: single nucleotide variant.
Coding change: c.3711+10C>T on transcript NM_000089.4 (MANE Select); 10 bases into the intron after coding-DNA position 3711, C replaced by T.
Molecular consequence: intron variant.
Genome position (GRCh38, 1-based): chr7:94,428,487, C>T. VCF-style: chr7-94428487-C-T. GRCh37 (hg19) VCF-style: chr7-94057799-C-T.
Identifiers: ClinVar variation 4790019 (VCV004790019.2).